The following is an entry in ClinVar:

ClinVar aggregate classification (germline): Conflicting classifications of pathogenicity. Review status: criteria provided, conflicting classifications (1 of 4 stars). 2 submissions from 2 submitters: Uncertain significance (1); Likely benign (1). Last evaluated 2026-01-03.

Conditions:
Emery-Dreifuss muscular dystrophy (EDMD). Also called: Scapuloperoneal syndrome, X-linked (formerly); Humeroperoneal neuromuscular disease, (formerly). Identifiers: Orphanet 261, MedGen C0410189, MONDO:0016830.

Allele frequency attached by ClinVar (database versions not stated): ExAC 0.00002; gnomAD exomes 0.00002 and 0.00003; gnomAD 0.00004; TOPMed 0.00005; 1000 Genomes Project 30x 0.00016; ESP Exome Variant Server 0.00017; 1000 Genomes Project 0.00020.
gnomAD v4.1: 45 of 1,614,118 alleles (0.0028%); highest among the groups gnomAD compares: African/African-American, 0.008%; no homozygotes.

Submissions (2):

Labcorp Genetics (formerly Invitae), Labcorp
Classification: Uncertain significance for Emery-Dreifuss muscular dystrophy. Last evaluated: 2026-01-03. Review status: criteria provided, single submitter. Criteria: Invitae Variant Classification Sherloc (09022015). Collection method: clinical testing. Allele origin: germline.
Comment: This sequence change replaces isoleucine, which is neutral and non-polar, with valine, which is neutral and non-polar, at codon 464 of the SUN1 protein (p.Ile464Val). This variant is present in population databases (rs199915497, gnomAD 0.007%). This variant has not been reported in the literature in individuals affected with SUN1-related conditions. ClinVar contains an entry for this variant (Variation ID: 1037447). An algorithm developed to predict the effect of missense changes on protein structure and function outputs the following: PolyPhen-2: "Benign". The valine amino acid residue is found in multiple mammalian species, which suggests that this missense change does not adversely affect protein function. In summary, the available evidence is currently insufficient to determine the role of this variant in disease. Therefore, it has been classified as a Variant of Uncertain Significance.

Ambry Genetics
Classification: Likely benign. Last evaluated: 2025-01-27. Review status: criteria provided, single submitter. Criteria: Ambry Variant Classification Scheme 2023. Collection method: clinical testing. Allele origin: germline.

NM_001130965.3(SUN1):c.1390A>G (p.Ile464Val)

Gene: SUN1 (Sad1 and UNC84 domain containing 1; plus strand). Cytogenetic location: 7p22.3.
Variant type: single nucleotide variant.
Coding change: c.1390A>G on transcript NM_001130965.3 (MANE Select); coding-DNA position 1390, A replaced by G.
Protein change: p.Ile464Val; replaces isoleucine 464 with valine.
Molecular consequence: missense variant. On other transcripts: non-coding transcript variant (3).
Genome position (GRCh38, 1-based): chr7:856,397, A>G. VCF-style: chr7-856397-A-G. GRCh37 (hg19) VCF-style: chr7-896034-A-G.
Other names: c.1375A>G, p.Ile459Val (NM_001367642.1); c.1582A>G, p.Ile528Val (NM_001367643.1); c.1321A>G, p.Ile441Val (NM_001367644.1); c.1438A>G, p.Ile480Val (NM_001367645.1, NM_001367681.1); c.1519A>G, p.Ile507Val (NM_001367646.1); c.1432A>G, p.Ile478Val (NM_001367647.1, NM_001367668.1); c.1252A>G, p.Ile418Val (NM_001367648.1); c.1435A>G, p.Ile479Val (NM_001367649.1); and 44 more; short protein forms I381V, I418V, I441V, I459V, I464V, I473V, I479V, I490V.
Identifiers: ClinVar variation 1037447 (VCV001037447.10), dbSNP rs199915497, ClinGen allele CA4112188.